The following is an entry in ClinVar:

ClinVar aggregate classification (germline): Likely benign (1 of 4 stars; one submission).

Allele frequency attached by ClinVar (database versions not stated): 1000 Genomes Project 0.00040; gnomAD 0.00021; 1000 Genomes Project 30x 0.00031.

Submission:

CeGaT Center for Human Genetics Tuebingen
Classification: Likely benign. Last evaluated: 2023-02-01. Review status: criteria provided, single submitter. Criteria: CeGaT Center For Human Genetics Tuebingen Variant Classification Criteria Version 2. Collection method: clinical testing. Allele origin: germline. Affected: yes. Observed: 1 variant allele.
Comment: UBC: BP4, BP7, BS2

NM_021009.7(UBC):c.594C>T (p.Ala198=)

Gene: UBC (ubiquitin C; minus strand). Cytogenetic location: 12q24.31.
Variant type: single nucleotide variant.
Coding change: c.594C>T on transcript NM_021009.7 (MANE Select); coding-DNA position 594, C replaced by T.
Protein change: p.Ala198=; no amino-acid change (alanine 198 retained).
Molecular consequence: synonymous variant.
Genome position (GRCh38, 1-based): chr12:124,913,178, G>A on the plus strand (C>T on the coding strand, the complement: UBC is on the minus strand). VCF-style: chr12-124913178-G-A. GRCh37 (hg19) VCF-style: chr12-125397724-G-A.
Identifiers: ClinVar variation 2643570 (VCV002643570.24), dbSNP rs183722190, ClinGen allele CA245269152.